The following is an entry in ClinVar:

ClinVar aggregate classification (germline): Uncertain significance (1 of 4 stars; one submission).

Conditions:
Limb-girdle muscular dystrophy due to POMK deficiency. Also called: Muscular dystrophy-dystroglycanopathy (limb-girdle), type c, 12; MUSCULAR DYSTROPHY-DYSTROGLYCANOPATHY, LIMB-GIRDLE, POMK-RELATED. Identifiers: Orphanet 445110, MedGen C4015184, MONDO:0014489, OMIM 616094.
Muscular dystrophy-dystroglycanopathy (congenital with brain and eye anomalies), type a, 12 (MDDGA12). Also called: WALKER-WARBURG SYNDROME OR MUSCLE-EYE-BRAIN DISEASE, POMK-RELATED. Identifiers: Orphanet 899, MedGen C3808964, MONDO:0014101, OMIM 615249.

Allele frequency attached by ClinVar (database versions not stated): gnomAD exomes below 0.00001; ExAC 0.00001.
gnomAD v4.1: 2 of 1,614,238 alleles (0.00012%); highest among the groups gnomAD compares: South Asian, 0.0011%; no homozygotes.

Submission:

Labcorp Genetics (formerly Invitae), Labcorp
Classification: Uncertain significance for Muscular dystrophy-dystroglycanopathy (congenital with brain and eye anomalies), type a, 12; Limb-girdle muscular dystrophy due to POMK deficiency. Last evaluated: 2021-04-16. Review status: criteria provided, single submitter. Criteria: Invitae Variant Classification Sherloc (09022015). Collection method: clinical testing. Allele origin: germline.
Comment: This sequence change replaces threonine with alanine at codon 174 of the POMK protein (p.Thr174Ala). The threonine residue is highly conserved and there is a small physicochemical difference between threonine and alanine. This variant is present in population databases (rs753604559, ExAC 0.006%). This variant has not been reported in the literature in individuals with POMK-related conditions. Algorithms developed to predict the effect of missense changes on protein structure and function are either unavailable or do not agree on the potential impact of this missense change (SIFT: "Deleterious"; PolyPhen-2: "Possibly Damaging"; Align-GVGD: "Class C0"). In summary, the available evidence is currently insufficient to determine the role of this variant in disease. Therefore, it has been classified as a Variant of Uncertain Significance.

NM_032237.5(POMK):c.520A>G (p.Thr174Ala)

Gene: POMK (protein O-mannose kinase; plus strand). Cytogenetic location: 8p11.21.
Variant type: single nucleotide variant.
Coding change: c.520A>G on transcript NM_032237.5 (MANE Select); coding-DNA position 520, A replaced by G.
Protein change: p.Thr174Ala; replaces threonine 174 with alanine.
Molecular consequence: missense variant.
Genome position (GRCh38, 1-based): chr8:43,122,344, A>G. VCF-style: chr8-43122344-A-G. GRCh37 (hg19) VCF-style: chr8-42977487-A-G.
Other names: c.520A>G, p.Thr174Ala (NM_001277971.2); short protein forms T174A.
Identifiers: ClinVar variation 1388078 (VCV001388078.8), dbSNP rs753604559, ClinGen allele CA4736297.